The following is an entry in ClinVar:

ClinVar aggregate classification (germline): Likely benign (0 of 4 stars; one submission).

Conditions:
GNAS-related disorder. Identifiers: MedGen CN380105.

Submission:

PreventionGenetics, part of Exact Sciences
Classification: Likely benign for GNAS-related condition. Last evaluated: 2022-05-16. Review status: no assertion criteria provided. Collection method: clinical testing. Allele origin: germline.
Comment: This variant is classified as likely benign based on ACMG/AMP sequence variant interpretation guidelines (Richards et al. 2015 PMID: 25741868, with internal and published modifications).

NM_000516.7(GNAS):c.27C>G (p.Thr9=)

Gene: GNAS (GNAS complex locus; plus strand). Cytogenetic location: 20q13.32.
Variant type: single nucleotide variant.
Coding change: c.27C>G on transcript NM_000516.7 (MANE Select); coding-DNA position 27, C replaced by G.
Protein change: p.Thr9=; no amino-acid change (threonine 9 retained).
Molecular consequence: synonymous variant. On other transcripts: intron variant (8).
Genome position (GRCh38, 1-based): chr20:58,891,753, C>G. VCF-style: chr20-58891753-C-G. GRCh37 (hg19) VCF-style: chr20-57466808-C-G.
Other names: c.27C>G, p.Thr9= (NM_001077489.4, NM_001309842.2, NM_080426.4 and 1 more transcripts); c.*43-3859C>G (NM_016592.5); c.44-3859C>G (NM_001410912.1); c.-38-3859C>G (NM_001309861.2); c.*1-3859C>G (NM_001077490.3); c.2069-3859C>G (NM_080425.4, NM_001410913.1); c.*159-3859C>G (NM_001309883.1); c.-39+2400C>G (NM_001309840.2).
Identifiers: ClinVar variation 3354362 (VCV003354362.1).
Genomic context (GRCh38, chr20:58,891,753, plus strand): 5'-AGCCCGGCCGCGCCCCGCCGCCGCCGCCGCCGCCATGGGCTGCCTCGGGAACAGTAAGAC[C>G]GAGGACCAGCGCAACGAGGAGAAGGCGCAGCGTGAGGCCAACAAAAAGATCGAGAAGCAG-3'
Protein context (NP_000507.1, residues 1-19): MGCLGNSK[Thr9=]EDQRNEEKAQ